The following is an entry in ClinVar:

NM_004766.3(COPB2):c.102T>C (p.Leu34=)

Gene: COPB2 (coat protein complex I subunit beta 2; minus strand). Cytogenetic location: 3q23.
Variant type: single nucleotide variant.
Coding change: c.102T>C on transcript NM_004766.3 (MANE Select); coding-DNA position 102, T replaced by C.
Protein change: p.Leu34=; no amino-acid change (leucine 34 retained).
Molecular consequence: synonymous variant. On other transcripts: non-coding transcript variant (1).
Genome position (GRCh38, 1-based): chr3:139,383,337, A>G on the plus strand (T>C on the coding strand, the complement: COPB2 is on the minus strand). VCF-style: chr3-139383337-A-G. GRCh37 (hg19) VCF-style: chr3-139102179-A-G.
Identifiers: ClinVar variation 1573253 (VCV001573253.33), dbSNP rs746708016, ClinGen allele CA2641628.
Genomic context (GRCh38, chr3:139,383,337, plus strand): 5'-ACAGTCCTGAAAAATTCCTACCTGTGTTTCATGATTCCAAACACACACACTGCCATTGTA[A>G]AGACTTGCCAACATCCATGGCTCTGTAGGATGCAGATCCACACTCTTAACTCGATCAGAT-3'
Protein context (NP_004757.1, residues 24-44): HPTEPWMLAS[Leu34=]YNGSVCVWNH

ClinVar aggregate classification (germline): Likely benign. Review status: criteria provided, multiple submitters, no conflicts (2 of 4 stars). 2 submissions from 2 submitters: Likely benign (2). Last evaluated 2022-06-05.

Allele frequency attached by ClinVar (database versions not stated): ExAC 0.00001; gnomAD exomes 0.00001 and 0.00002; TOPMed 0.00002; gnomAD 0.00005 and 0.00006.
gnomAD v4.1: 32 of 1,613,850 alleles (0.002%); highest among the groups gnomAD compares: Admixed American, 0.0033%; no homozygotes.

Submissions (2):

Labcorp Genetics (formerly Invitae), Labcorp
Classification: Likely benign. Last evaluated: 2022-06-05. Review status: criteria provided, single submitter. Criteria: Invitae Variant Classification Sherloc (09022015). Collection method: clinical testing. Allele origin: germline.

CeGaT Center for Human Genetics Tuebingen
Classification: Likely benign. Last evaluated: 2022-06-01. Review status: criteria provided, single submitter. Criteria: CeGaT Center For Human Genetics Tuebingen Variant Classification Criteria Version 2. Collection method: clinical testing. Allele origin: germline. Affected: yes. Observed: 1 variant allele.
Comment: COPB2: BP4, BP7